The following is an entry in ClinVar:

ClinVar aggregate classification (germline): Uncertain significance (1 of 4 stars; one submission).

Conditions:
Cohen syndrome (COH1). Also called: PEPPER SYNDROME; Cutis verticis gyrata, retinitis pigmentosa, and sensorineural deafness. Identifiers: Orphanet 193, MedGen C0265223, MONDO:0008999, OMIM 216550.

Allele frequency attached by ClinVar (database versions not stated): gnomAD exomes 0.00001.
gnomAD v4.1: 4 of 1,604,870 alleles (0.00025%); highest among the groups gnomAD compares: Non-Finnish European, 0.00017%; no homozygotes.

Submission:

Labcorp Genetics (formerly Invitae), Labcorp
Classification: Uncertain significance for Cohen syndrome. Last evaluated: 2022-08-08. Review status: criteria provided, single submitter. Criteria: Invitae Variant Classification Sherloc (09022015). Collection method: clinical testing. Allele origin: germline.
Comment: This sequence change replaces asparagine, which is neutral and polar, with aspartic acid, which is acidic and polar, at codon 204 of the VPS13B protein (p.Asn204Asp). This variant is not present in population databases (gnomAD no frequency). This variant has not been reported in the literature in individuals affected with VPS13B-related conditions. ClinVar contains an entry for this variant (Variation ID: 1509787). Algorithms developed to predict the effect of missense changes on protein structure and function are either unavailable or do not agree on the potential impact of this missense change (SIFT: "Not Available"; PolyPhen-2: "Possibly Damaging"; Align-GVGD: "Not Available"). In summary, the available evidence is currently insufficient to determine the role of this variant in disease. Therefore, it has been classified as a Variant of Uncertain Significance.

NM_152564.5(VPS13B):c.610A>G (p.Asn204Asp)

Gene: VPS13B (vacuolar protein sorting 13 homolog B; plus strand). Cytogenetic location: 8q22.2.
Variant type: single nucleotide variant.
Coding change: c.610A>G on transcript NM_152564.5 (MANE Select); coding-DNA position 610, A replaced by G.
Protein change: p.Asn204Asp; replaces asparagine 204 with aspartic acid.
Molecular consequence: missense variant. On other transcripts: non-coding transcript variant (1).
Genome position (GRCh38, 1-based): chr8:99,111,127, A>G. VCF-style: chr8-99111127-A-G. GRCh37 (hg19) VCF-style: chr8-100123355-A-G.
Other names: c.610A>G, p.Asn204Asp (NM_015243.3, NM_017890.5, NM_181661.3); short protein forms N204D.
Identifiers: ClinVar variation 1509787 (VCV001509787.3), dbSNP rs2132481643, ClinGen allele CA371859977.